The following is an entry in ClinVar:

ClinVar aggregate classification (germline): Uncertain significance (1 of 4 stars; one submission).

Submission:

Labcorp Genetics (formerly Invitae), Labcorp
Classification: Uncertain significance. Last evaluated: 2025-07-31. Review status: criteria provided, single submitter. Criteria: Invitae Variant Classification Sherloc (09022015). Collection method: clinical testing. Allele origin: germline.
Comment: This variant, c.191_208del, results in the deletion of 6 amino acid(s) of the HMX1 protein (p.Arg64_Arg69del), but otherwise preserves the integrity of the reading frame. The frequency data for this variant in the population databases is considered unreliable, as metrics indicate poor data quality at this position in the gnomAD database. This variant has not been reported in the literature in individuals affected with HMX1-related conditions. ClinVar contains an entry for this variant (Variation ID: 939699). Experimental studies and prediction algorithms are not available or were not evaluated, and the functional significance of this variant is currently unknown. In summary, the available evidence is currently insufficient to determine the role of this variant in disease. Therefore, it has been classified as a Variant of Uncertain Significance.

NM_018942.3(HMX1):c.191_208del (p.Arg64_Arg69del)

Gene: HMX1 (H6 family homeobox 1; minus strand). Cytogenetic location: 4p16.1.
Variant type: Deletion.
Coding change: c.191_208del on transcript NM_018942.3 (MANE Select); coding-DNA positions 191 to 208, 18 bases deleted (GGCTACAGCGGCGGCGAC).
Protein change: p.Arg64_Arg69del.
Molecular consequence: inframe deletion.
Genome position (GRCh38, 1-based): chr4:8,871,407-8,871,424, GTCGCCGCCGCTGTAGCC deleted on the plus strand (GGCTACAGCGGCGGCGAC on the coding strand, the reverse complement: HMX1 is on the minus strand); deleting any 18 consecutive bases within chr4:8,871,407-8,871,435 gives the same sequence; the c. name uses the placement nearest the transcript's 3' end. VCF-style (leftmost placement, unchanged base first): chr4-8871406-TGTCGCCGCCGCTGTAGCC-T. GRCh37 (hg19) VCF-style: chr4-8873132-TGTCGCCGCCGCTGTAGCC-T.
Other names: c.191_208del, p.Arg64_Arg69del (NM_001306142.2).
Identifiers: ClinVar variation 939699 (VCV000939699.6), dbSNP rs999201308, ClinGen allele CA92350230.